The following is an entry in ClinVar:

ClinVar aggregate classification (germline): Benign/Likely benign. Review status: criteria provided, single submitter (1 of 4 stars). 5 submissions from 1 submitter: Benign (4); Likely benign (1). Last evaluated 2018-01-13.

Conditions:
Beare-Stevenson cutis gyrata syndrome (BSTVS). Identifiers: Orphanet 1555, MedGen C1852406, MONDO:0007412, OMIM 123790.
Isolated Coronal Synostosis. Identifiers: MedGen CN043619.
Crouzon syndrome. Also called: CRANIOFACIAL DYSOSTOSIS, TYPE I; Craniofacial dysostosis; Craniofacial dysostosis type 1; Crouzon craniofacial dysostosis; Crouzon disease. Identifiers: Orphanet 207, MedGen C0010273, MeSH D003394, MONDO:0007405, OMIM 123500, HP:0004439.
Saethre-Chotzen syndrome (SCS). Also called: ACROCEPHALY, SKULL ASYMMETRY, AND MILD SYNDACTYLY; ACS III; CHOTZEN SYNDROME. Identifiers: Orphanet 794, MedGen C0175699, MONDO:0007042, OMIM 101400.
Craniosynostosis syndrome. Also called: Craniosynostosis. Identifiers: Orphanet 1531, MedGen C0010278, MeSH D003398, MONDO:0015469, HP:0001363.

Allele frequency attached by ClinVar (database versions not stated): gnomAD exomes 0.00040; gnomAD 0.00319 and 0.00345; 1000 Genomes Project 0.00339; TOPMed 0.00355; 1000 Genomes Project 30x 0.00375.
gnomAD v4.1: 591 of 398,170 alleles (0.15%); highest among the groups gnomAD compares: African/African-American, 1.1%; no homozygotes.

Submissions (5):

Illumina Laboratory Services, Illumina
Classification: Likely benign for Isolated coronal synostosis. Last evaluated: 2018-01-13. Review status: criteria provided, single submitter. Criteria: ICSL Variant Classification Criteria 13 December 2019. Collection method: clinical testing. Allele origin: germline.
Comment: This variant was observed in the ICSL laboratory as part of a predisposition screen in an ostensibly healthy population. It had not been previously curated by ICSL or reported in the Human Gene Mutation Database (HGMD: prior to June 1st, 2018), and was therefore a candidate for classification through an automated scoring system. Utilizing variant allele frequency, disease prevalence and penetrance estimates, and inheritance mode, an automated score was calculated to assess if this variant is too frequent to cause the disease. Based on the score and internal cut-off values, a variant classified as likely benign is not then subjected to further curation. The score for this variant resulted in a classification of likely benign for this disease.

Illumina Laboratory Services, Illumina
Classification: Benign for Crouzon syndrome. Last evaluated: 2018-01-13. Review status: criteria provided, single submitter. Criteria: ICSL Variant Classification Criteria 13 December 2019. Collection method: clinical testing. Allele origin: germline.
Comment: This variant was observed in the ICSL laboratory as part of a predisposition screen in an ostensibly healthy population. It had not been previously curated by ICSL or reported in the Human Gene Mutation Database (HGMD: prior to June 1st, 2018), and was therefore a candidate for classification through an automated scoring system. Utilizing variant allele frequency, disease prevalence and penetrance estimates, and inheritance mode, an automated score was calculated to assess if this variant is too frequent to cause the disease. Based on the score and internal cut-off values, a variant classified as benign is not then subjected to further curation. The score for this variant resulted in a classification of benign for this disease.

Illumina Laboratory Services, Illumina
Classification: Benign for Craniosynostosis. Last evaluated: 2018-01-13. Review status: criteria provided, single submitter. Criteria: ICSL Variant Classification Criteria 13 December 2019. Collection method: clinical testing. Allele origin: germline.
Comment: the same text as in the submission from Illumina Laboratory Services, Illumina above.

Illumina Laboratory Services, Illumina
Classification: Benign for Beare-Stevenson cutis gyrata syndrome. Last evaluated: 2018-01-13. Review status: criteria provided, single submitter. Criteria: ICSL Variant Classification Criteria 13 December 2019. Collection method: clinical testing. Allele origin: germline.
Comment: the same text as in the submission from Illumina Laboratory Services, Illumina above.

Illumina Laboratory Services, Illumina
Classification: Benign for Saethre-Chotzen syndrome. Last evaluated: 2018-01-13. Review status: criteria provided, single submitter. Criteria: ICSL Variant Classification Criteria 13 December 2019. Collection method: clinical testing. Allele origin: germline.
Comment: the same text as in the submission from Illumina Laboratory Services, Illumina above.

NM_000141.5(FGFR2):c.-358C>T

Gene: FGFR2 (fibroblast growth factor receptor 2; minus strand). Cytogenetic location: 10q26.13.
Variant type: single nucleotide variant.
Coding change: c.-358C>T on transcript NM_000141.5 (MANE Select); 358 bases upstream of the start codon, C replaced by T.
Molecular consequence: 5 prime UTR variant. On other transcripts: non-coding transcript variant (1).
Genome position (GRCh38, 1-based): chr10:121,598,169, G>A on the plus strand (C>T on the coding strand, the complement: FGFR2 is on the minus strand). VCF-style: chr10-121598169-G-A. GRCh37 (hg19) VCF-style: chr10-123357683-G-A.
Other names: c.-358C>T (NM_001144917.2, NM_001144918.2, NM_001144919.2 and 3 more transcripts).
Identifiers: ClinVar variation 299022 (VCV000299022.5), dbSNP rs41301545, ClinGen allele CA10631089.